The following is an entry in ClinVar:

NM_002439.5(MSH3):c.1504T>A (p.Ser502Thr)

Gene: MSH3 (mutS homolog 3; plus strand). Cytogenetic location: 5q14.1.
Variant type: single nucleotide variant.
Coding change: c.1504T>A on transcript NM_002439.5 (MANE Select); coding-DNA position 1504, T replaced by A.
Protein change: p.Ser502Thr; replaces serine 502 with threonine.
Molecular consequence: missense variant.
Genome position (GRCh38, 1-based): chr5:80,728,901, T>A. VCF-style: chr5-80728901-T-A. GRCh37 (hg19) VCF-style: chr5-80024720-T-A.
Other names: short protein forms S502T.
Identifiers: ClinVar variation 2732751 (VCV002732751.3), dbSNP rs2546754639, ClinGen allele CA360274245.

ClinVar aggregate classification (germline): Uncertain significance (1 of 4 stars; one submission).

Submission:

Labcorp Genetics (formerly Invitae), Labcorp
Classification: Uncertain significance. Last evaluated: 2023-06-29. Review status: criteria provided, single submitter. Criteria: Invitae Variant Classification Sherloc (09022015). Collection method: clinical testing. Allele origin: germline.
Comment: This sequence change replaces serine, which is neutral and polar, with threonine, which is neutral and polar, at codon 502 of the MSH3 protein (p.Ser502Thr). This variant is not present in population databases (gnomAD no frequency). This variant has not been reported in the literature in individuals affected with MSH3-related conditions. An algorithm developed to predict the effect of missense changes on protein structure and function (PolyPhen-2) suggests that this variant is likely to be disruptive. In summary, the available evidence is currently insufficient to determine the role of this variant in disease. Therefore, it has been classified as a Variant of Uncertain Significance.